The following is an entry in ClinVar:

ClinVar aggregate classification (germline): Uncertain significance (1 of 4 stars; one submission).

Conditions:
Inborn genetic diseases. Identifiers: MedGen C0950123, MeSH D030342.

Submission:

Ambry Genetics
Classification: Uncertain significance for Inborn genetic diseases. Last evaluated: 2025-04-02. Review status: criteria provided, single submitter. Criteria: Ambry Variant Classification Scheme 2023. Collection method: clinical testing. Allele origin: germline.
Comment: The p.R279L variant (also known as c.836G>T), located in coding exon 7 of the HAX1 gene, results from a G to T substitution at nucleotide position 836. The arginine at codon 279 is replaced by leucine, an amino acid with dissimilar properties. This amino acid position is conserved. In addition, this alteration is predicted to be tolerated by in silico analysis. Based on the available evidence, the clinical significance of this variant remains unclear.

NM_006118.4(HAX1):c.836G>T (p.Arg279Leu)

Gene: HAX1 (HCLS1 associated protein X-1; plus strand). Cytogenetic location: 1q21.3.
Variant type: single nucleotide variant.
Coding change: c.836G>T on transcript NM_006118.4 (MANE Select); coding-DNA position 836, G replaced by T.
Protein change: p.Arg279Leu; replaces arginine 279 with leucine.
Molecular consequence: missense variant.
Genome position (GRCh38, 1-based): chr1:154,275,697, G>T. VCF-style: chr1-154275697-G-T. GRCh37 (hg19) VCF-style: chr1-154248173-G-T.
Other names: c.692G>T, p.Arg231Leu (NM_001018837.2); short protein forms R279L, R231L.
Identifiers: ClinVar variation 4033837 (VCV004033837.1).